The following is an entry in ClinVar:

NM_015135.3(NUP205):c.4296C>T (p.Ala1432=)

Gene: NUP205 (nucleoporin 205; plus strand). Cytogenetic location: 7q33.
Variant type: single nucleotide variant.
Coding change: c.4296C>T on transcript NM_015135.3 (MANE Select); coding-DNA position 4296, C replaced by T.
Protein change: p.Ala1432=; no amino-acid change (alanine 1432 retained).
Molecular consequence: synonymous variant.
Genome position (GRCh38, 1-based): chr7:135,619,854, C>T. VCF-style: chr7-135619854-C-T. GRCh37 (hg19) VCF-style: chr7-135304602-C-T.
Other names: c.3222C>T, p.Ala1074= (NM_001329434.2).
Identifiers: ClinVar variation 3035346 (VCV003035346.3), dbSNP rs751139668, ClinGen allele CA4498844.
Genomic context (GRCh38, chr7:135,619,854, plus strand): 5'-TGGATTCCAACGAGTGAGGACTCACTTGTATGGCTCTCTGCTTTATTACTTACAGATTGC[C>T]CAGAGACCTGATGAACCAGACACCTTAGAAGCAGGTAGAATGAGATCAATTCCTAATCTT-3'
Protein context (NP_055950.2, residues 1422-1442): YGSLLYYLQI[Ala1432=]QRPDEPDTLE

ClinVar aggregate classification (germline): Likely benign. Review status: criteria provided, single submitter (1 of 4 stars). 2 submissions from 2 submitters: Likely benign (1). 1 of the submissions does not count toward it. Last evaluated 2025-03-18.

Conditions:
NUP205-related disorder. Also called: NUP205-related condition.

Submissions (2):

Labcorp Genetics (formerly Invitae), Labcorp
Classification: Likely benign. Last evaluated: 2025-03-18. Review status: criteria provided, single submitter. Criteria: Invitae Variant Classification Sherloc (09022015). Collection method: clinical testing. Allele origin: germline.

PreventionGenetics, part of Exact Sciences
Classification: Likely benign for NUP205-related condition. Last evaluated: 2023-11-01. Review status: no assertion criteria provided. Collection method: clinical testing. Allele origin: germline. Not counted in ClinVar's aggregate classification.
Comment: This variant is classified as likely benign based on ACMG/AMP sequence variant interpretation guidelines (Richards et al. 2015 PMID: 25741868, with internal and published modifications).